The following is an entry in ClinVar:

ClinVar aggregate classification (germline): Pathogenic (1 of 4 stars; one submission).

Conditions:
Primary ciliary dyskinesia. Also called: Ciliary dyskinesia. Identifiers: Orphanet 244, MedGen C0008780, MONDO:0016575, HP:0012265.

Submission:

Labcorp Genetics (formerly Invitae), Labcorp
Classification: Pathogenic for Primary ciliary dyskinesia. Last evaluated: 2022-07-05. Review status: criteria provided, single submitter. Criteria: Invitae Variant Classification Sherloc (09022015). Collection method: clinical testing. Allele origin: germline.
Comment: This variant has not been reported in the literature in individuals affected with DNAAF5-related conditions. For these reasons, this variant has been classified as Pathogenic. Algorithms developed to predict the effect of sequence changes on RNA splicing suggest that this variant may create or strengthen a splice site. ClinVar contains an entry for this variant (Variation ID: 454865). This variant is not present in population databases (gnomAD no frequency). This sequence change creates a premature translational stop signal (p.His163Glnfs*43) in the DNAAF5 gene. It is expected to result in an absent or disrupted protein product. Loss-of-function variants in DNAAF5 are known to be pathogenic (PMID: 24307375, 25232951).

Literature cited by the submitters: PubMed 24307375; PubMed 25232951.

NM_017802.4(DNAAF5):c.489_498del (p.His163fs)

Genes: DNAAF5 (dynein axonemal assembly factor 5; plus strand), PRKAR1B (protein kinase cAMP-dependent type I regulatory subunit beta; minus strand). Cytogenetic location: 7p22.3.
Variant type: Deletion.
Coding change: c.489_498del on transcript NM_017802.4 (MANE Select); coding-DNA positions 489 to 498, 10 bases deleted (CCTGGACGAC; older notation c.489_498delCCTGGACGAC).
Protein change: p.His163fs; shifts the reading frame from histidine 163.
Molecular consequence: frameshift variant. On other transcripts: non-coding transcript variant (1), intron variant (2), splice donor variant (1).
Genome position (GRCh38, 1-based): chr7:727,209-727,218, CCTGGACGAC deleted. VCF-style (leftmost placement, unchanged base first): chr7-727208-ACCTGGACGAC-A. GRCh37 (hg19) VCF-style: chr7-766845-ACCTGGACGAC-A.
Other names: c.-23+437_-23+446del (NM_001164759.1); c.-23+372_-23+381del (NM_001164758.2); c.-31_-23+1del (NM_001164760.2); short protein forms H163fs.
Identifiers: ClinVar variation 454865 (VCV000454865.7), dbSNP rs1554248887, ClinGen allele CA658657640.
Genomic context (GRCh38, chr7:727,208, plus strand): 5'-TGGCGCTTGTGCAGCTGCTGGGCCTGGCCGTGGACCTGTGCGGCGCCGCGCTCGCGCCCC[ACCTGGACGAC>A]GCTCTGCGCGCGCTGCGCTGCTCCCTGCTCGACCCCTTCGCCGCCGTGCGCCGCGAGAGC-3'